The following is an entry in ClinVar:

NM_004525.3(LRP2):c.8513G>A (p.Arg2838His)

Gene: LRP2 (LDL receptor related protein 2; minus strand). Cytogenetic location: 2q31.1.
Variant type: single nucleotide variant.
Coding change: c.8513G>A on transcript NM_004525.3 (MANE Select); coding-DNA position 8513, G replaced by A.
Protein change: p.Arg2838His; replaces arginine 2838 with histidine.
Molecular consequence: missense variant.
Genome position (GRCh38, 1-based): chr2:169,198,851, C>T on the plus strand (G>A on the coding strand, the complement: LRP2 is on the minus strand). VCF-style: chr2-169198851-C-T. GRCh37 (hg19) VCF-style: chr2-170055361-C-T.
Other names: short protein forms R2838H.
Identifiers: ClinVar variation 1476162 (VCV001476162.8), dbSNP rs142214474, ClinGen allele CA1953834.
Genomic context (GRCh38, chr2:169,198,851, plus strand): 5'-TAAGTAGGGTTTTCATCACTGTTATCTCCACAGTCATTGTCTCCGTCACACAAATAAACG[C>T]GAGGAATACAAATATTTGAATTATGACATTTTGTGTATCCAGACTGGCAAGTGCGATCAG-3'
Protein context (NP_004516.2, residues 2828-2848): KCHNSNICIP[Arg2838His]VYLCDGDNDC

ClinVar aggregate classification (germline): Uncertain significance. Review status: criteria provided, multiple submitters, no conflicts (2 of 4 stars). 3 submissions from 3 submitters: Uncertain significance (3). Last evaluated 2024-03-29.

Conditions:
Donnai-Barrow syndrome. Also called: DBS/FOAR SYNDROME; FACIOOCULOACOUSTICORENAL SYNDROME. Identifiers: Orphanet 2143, MedGen C1857277, MONDO:0009104, OMIM 222448.

Allele frequency attached by ClinVar (database versions not stated): gnomAD exomes 0.00003; ExAC 0.00005; gnomAD 0.00005 and 0.00006; TOPMed 0.00006; ESP Exome Variant Server 0.00008.
gnomAD v4.1: 41 of 1,613,718 alleles (0.0025%); highest among the groups gnomAD compares: African/African-American, 0.011%; no homozygotes.

Submissions (3):

Fulgent Genetics
Classification: Uncertain significance for Donnai-Barrow syndrome. Last evaluated: 2024-03-29. Review status: criteria provided, single submitter. Criteria: ACMG Guidelines, 2015. Collection method: clinical testing. Allele origin: germline.

Blueprint Genetics
Classification: Uncertain significance. Last evaluated: 2023-09-28. Review status: criteria provided, single submitter. Criteria: ACMG Guidelines, 2015. Collection method: clinical testing. Allele origin: germline.

Labcorp Genetics (formerly Invitae), Labcorp
Classification: Uncertain significance. Last evaluated: 2022-07-06. Review status: criteria provided, single submitter. Criteria: Invitae Variant Classification Sherloc (09022015). Collection method: clinical testing. Allele origin: germline.
Comment: This sequence change replaces arginine, which is basic and polar, with histidine, which is basic and polar, at codon 2838 of the LRP2 protein (p.Arg2838His). This variant is present in population databases (rs142214474, gnomAD 0.01%). This variant has not been reported in the literature in individuals affected with LRP2-related conditions. ClinVar contains an entry for this variant (Variation ID: 1476162). Advanced modeling of protein sequence and biophysical properties (such as structural, functional, and spatial information, amino acid conservation, physicochemical variation, residue mobility, and thermodynamic stability) performed at Invitae indicates that this missense variant is not expected to disrupt LRP2 protein function. In summary, the available evidence is currently insufficient to determine the role of this variant in disease. Therefore, it has been classified as a Variant of Uncertain Significance.